The following is an entry in ClinVar:

NM_003072.5(SMARCA4):c.1319A>G (p.Lys440Arg)

Gene: SMARCA4 (SWI/SNF related BAF chromatin remodeling complex subunit ATPase 4; plus strand). Cytogenetic location: 19p13.2.
Variant type: single nucleotide variant.
Coding change: c.1319A>G on transcript NM_003072.5 (MANE Select); coding-DNA position 1319, A replaced by G.
Protein change: p.Lys440Arg; replaces lysine 440 with arginine.
Molecular consequence: missense variant. On other transcripts: non-coding transcript variant (1).
Genome position (GRCh38, 1-based): chr19:10,991,223, A>G. VCF-style: chr19-10991223-A-G. GRCh37 (hg19) VCF-style: chr19-11101899-A-G.
Other names: c.1319A>G (NM_001128849.1); c.1319A>G, p.Lys440Arg (NM_001128844.3, NM_001128845.2, NM_001128846.2 and 5 more transcripts); short protein forms K440R.
Identifiers: ClinVar variation 1477366 (VCV001477366.8), dbSNP rs2145879866, ClinGen allele CA404060746.

ClinVar aggregate classification (germline): Uncertain significance. Review status: criteria provided, multiple submitters, no conflicts (2 of 4 stars). 3 submissions from 3 submitters: Uncertain significance (3). Last evaluated 2025-03-14.

Conditions:
Hereditary cancer-predisposing syndrome. Also called: Neoplastic Syndromes, Hereditary; Hereditary Cancer Syndrome; Tumor predisposition; Hereditary neoplastic syndrome. Identifiers: Orphanet 140162, MedGen C0027672, MeSH D009386, MONDO:0015356.
Rhabdoid tumor predisposition syndrome 2 (RTPS2). Identifiers: Orphanet 231108, Orphanet 69077, MedGen C2750074, MONDO:0013224, OMIM 613325.

Submissions (3):

Ambry Genetics
Classification: Uncertain significance for Hereditary cancer-predisposing syndrome. Last evaluated: 2025-03-14. Review status: criteria provided, single submitter. Criteria: Ambry Variant Classification Scheme 2023. Collection method: clinical testing. Allele origin: germline.
Comment: The p.K440R variant (also known as c.1319A>G), located in coding exon 7 of the SMARCA4 gene, results from an A to G substitution at nucleotide position 1319. The lysine at codon 440 is replaced by arginine, an amino acid with highly similar properties. This amino acid position is conserved. In addition, this alteration is predicted to be tolerated by in silico analysis. Based on the available evidence, the clinical significance of this variant remains unclear.

Labcorp Genetics (formerly Invitae), Labcorp
Classification: Uncertain significance for Rhabdoid tumor predisposition syndrome 2. Last evaluated: 2025-03-03. Review status: criteria provided, single submitter. Criteria: Invitae Variant Classification Sherloc (09022015). Collection method: clinical testing. Allele origin: germline.
Comment: This sequence change replaces lysine, which is basic and polar, with arginine, which is basic and polar, at codon 440 of the SMARCA4 protein (p.Lys440Arg). This variant is not present in population databases (gnomAD no frequency). This variant has not been reported in the literature in individuals affected with SMARCA4-related conditions. ClinVar contains an entry for this variant (Variation ID: 1477366). Invitae Evidence Modeling of protein sequence and biophysical properties (such as structural, functional, and spatial information, amino acid conservation, physicochemical variation, residue mobility, and thermodynamic stability) indicates that this missense variant is not expected to disrupt SMARCA4 protein function with a negative predictive value of 80%. In summary, the available evidence is currently insufficient to determine the role of this variant in disease. Therefore, it has been classified as a Variant of Uncertain Significance.

GeneDx
Classification: Uncertain significance. Last evaluated: 2022-08-25. Review status: criteria provided, single submitter. Criteria: GeneDx Variant Classification Process June 2021. Collection method: clinical testing. Allele origin: germline. Affected: yes.
Comment: Not observed at significant frequency in large population cohorts (gnomAD); In silico analysis supports that this missense variant does not alter protein structure/function; Has not been previously published as pathogenic or benign to our knowledge